The following is an entry in ClinVar:

NM_032040.5(CCDC8):c.673C>G (p.Arg225Gly)

Gene: CCDC8 (coiled-coil domain containing 8 subunit of 3M complex; minus strand). Cytogenetic location: 19q13.32.
Variant type: single nucleotide variant.
Coding change: c.673C>G on transcript NM_032040.5 (MANE Select); coding-DNA position 673, C replaced by G.
Protein change: p.Arg225Gly; replaces arginine 225 with glycine.
Molecular consequence: missense variant.
Genome position (GRCh38, 1-based): chr19:46,412,138, G>C on the plus strand (C>G on the coding strand, the complement: CCDC8 is on the minus strand). VCF-style: chr19-46412138-G-C. GRCh37 (hg19) VCF-style: chr19-46915395-G-C.
Other names: c.673C>G (NM_032040.3); short protein forms R225G.
Identifiers: ClinVar variation 1977519 (VCV001977519.6), dbSNP rs1450940306, ClinGen allele CA406461723.
Genomic context (GRCh38, chr19:46,412,138, plus strand): 5'-GGCTGGTGCCCTCTGGCGCCGATGATACCCCTGCGCTCTCCACTGCGGTGGAGGCCAGCC[G>C]GGCCTCGCCCACCCCGGGGCCCGCCCTCGGCGCCCAACCCTTCACCCTCCGCTTCAGCTT-3'
Protein context (NP_114429.2, residues 215-235): PRAGPGVGEA[Arg225Gly]LASTAVESAG

ClinVar aggregate classification (germline): Uncertain significance. Review status: criteria provided, multiple submitters, no conflicts (2 of 4 stars). 2 submissions from 2 submitters: Uncertain significance (2). Last evaluated 2024-10-22.

Conditions:
Inborn genetic diseases. Identifiers: MedGen C0950123, MeSH D030342.

Allele frequency attached by ClinVar (database versions not stated): gnomAD 0.00001; TOPMed 0.00001.

Submissions (2):

Ambry Genetics
Classification: Uncertain significance for Inborn genetic diseases. Last evaluated: 2024-10-22. Review status: criteria provided, single submitter. Criteria: Ambry Variant Classification Scheme 2023. Collection method: clinical testing. Allele origin: germline.

Labcorp Genetics (formerly Invitae), Labcorp
Classification: Uncertain significance. Last evaluated: 2022-07-26. Review status: criteria provided, single submitter. Criteria: Invitae Variant Classification Sherloc (09022015). Collection method: clinical testing. Allele origin: germline.
Comment: In summary, the available evidence is currently insufficient to determine the role of this variant in disease. Therefore, it has been classified as a Variant of Uncertain Significance. Algorithms developed to predict the effect of missense changes on protein structure and function are either unavailable or do not agree on the potential impact of this missense change (SIFT: "Deleterious"; PolyPhen-2: "Benign"; Align-GVGD: "Class C0"). This variant has not been reported in the literature in individuals affected with CCDC8-related conditions. This variant is not present in population databases (gnomAD no frequency). This sequence change replaces arginine, which is basic and polar, with glycine, which is neutral and non-polar, at codon 225 of the CCDC8 protein (p.Arg225Gly).